The following is an entry in ClinVar:

NM_004100.5(EYA4):c.44C>T (p.Thr15Met)

Gene: EYA4 (EYA transcriptional coactivator and phosphatase 4; plus strand). Cytogenetic location: 6q23.2.
Variant type: single nucleotide variant.
Coding change: c.44C>T on transcript NM_004100.5 (MANE Select); coding-DNA position 44, C replaced by T.
Protein change: p.Thr15Met; replaces threonine 15 with methionine.
Molecular consequence: missense variant.
Genome position (GRCh38, 1-based): chr6:133,382,402, C>T. VCF-style: chr6-133382402-C-T. GRCh37 (hg19) VCF-style: chr6-133703540-C-T.
Other names: c.44C>T, p.Thr15Met (NM_001301012.2, NM_001301013.2, NM_001370458.1 and 3 more transcripts); short protein forms T15M.
Identifiers: ClinVar variation 566153 (VCV000566153.10), dbSNP rs769070323, ClinGen allele CA4007937.

ClinVar aggregate classification (germline): Uncertain significance. Review status: criteria provided, multiple submitters, no conflicts (2 of 4 stars). 3 submissions from 3 submitters: Uncertain significance (3). Last evaluated 2023-07-07.

Conditions:
Dilated cardiomyopathy 1J (CMD1J). Also called: CARDIOMYOPATHY, DILATED, WITH SENSORINEURAL HEARING LOSS, AUTOSOMAL DOMINANT. Identifiers: Orphanet 217622, MedGen C1854368, MONDO:0011541, OMIM 605362.

Allele frequency attached by ClinVar (database versions not stated): gnomAD 0.00001; gnomAD exomes 0.00002; ExAC 0.00003.
gnomAD v4.1: 10 of 1,608,824 alleles (0.00062%); highest among the groups gnomAD compares: Admixed American, 0.0083%; no homozygotes.

Submissions (3):

Labcorp Genetics (formerly Invitae), Labcorp
Classification: Uncertain significance for Dilated cardiomyopathy 1J. Last evaluated: 2023-07-07. Review status: criteria provided, single submitter. Criteria: Invitae Variant Classification Sherloc (09022015). Collection method: clinical testing. Allele origin: germline.
Comment: This sequence change replaces threonine, which is neutral and polar, with methionine, which is neutral and non-polar, at codon 15 of the EYA4 protein (p.Thr15Met). This variant is present in population databases (rs769070323, gnomAD 0.01%). In summary, the available evidence is currently insufficient to determine the role of this variant in disease. Therefore, it has been classified as a Variant of Uncertain Significance. An algorithm developed to predict the effect of missense changes on protein structure and function (PolyPhen-2) suggests that this variant is likely to be disruptive. ClinVar contains an entry for this variant (Variation ID: 566153). This variant has not been reported in the literature in individuals affected with EYA4-related conditions.

New York Genome Center
Classification: Uncertain significance for Dilated cardiomyopathy 1J. Last evaluated: 2023-01-17. Review status: criteria provided, single submitter. Criteria: NYGC Assertion Criteria 2020. Collection method: clinical testing. Allele origin: germline. Observed: 1 heterozygote.

Breakthrough Genomics
Classification: Uncertain significance. Review status: criteria provided, single submitter. Criteria: ACMG Guidelines, 2015. Collection method: not provided. Allele origin: germline. Inheritance: Autosomal dominant inheritance. Affected: yes.